The following is an entry in ClinVar:

NM_000057.4(BLM):c.1618A>G (p.Ile540Val)

Gene: BLM (BLM RecQ like helicase; plus strand). Cytogenetic location: 15q26.1.
Variant type: single nucleotide variant.
Coding change: c.1618A>G on transcript NM_000057.4 (MANE Select); coding-DNA position 1618, A replaced by G.
Protein change: p.Ile540Val; replaces isoleucine 540 with valine.
Molecular consequence: missense variant.
Genome position (GRCh38, 1-based): chr15:90,760,991, A>G. VCF-style: chr15-90760991-A-G. GRCh37 (hg19) VCF-style: chr15-91304221-A-G.
Other names: c.1618A>G, p.Ile540Val (NM_001287246.2, NM_001287247.2); c.493A>G, p.Ile165Val (NM_001287248.2); short protein forms I540V, I165V.
Identifiers: ClinVar variation 405296 (VCV000405296.7), dbSNP rs1060500641, ClinGen allele CA16614782.

ClinVar aggregate classification (germline): Uncertain significance (1 of 4 stars; one submission).

Conditions:
Bloom syndrome (BLM). Also called: Bloom-Torre-Machacek syndrome. Identifiers: Orphanet 125, MedGen C0005859, MONDO:0008876, OMIM 210900.

Submission:

Labcorp Genetics (formerly Invitae), Labcorp
Classification: Uncertain significance for Bloom syndrome. Last evaluated: 2022-02-18. Review status: criteria provided, single submitter. Criteria: Invitae Variant Classification Sherloc (09022015). Collection method: clinical testing. Allele origin: germline.
Comment: This sequence change replaces isoleucine, which is neutral and non-polar, with valine, which is neutral and non-polar, at codon 540 of the BLM protein (p.Ile540Val). This variant is not present in population databases (gnomAD no frequency). This variant has not been reported in the literature in individuals affected with BLM-related conditions. ClinVar contains an entry for this variant (Variation ID: 405296). Algorithms developed to predict the effect of missense changes on protein structure and function output the following: SIFT: "Tolerated"; PolyPhen-2: "Benign"; Align-GVGD: "Class C0". The valine amino acid residue is found in multiple mammalian species, which suggests that this missense change does not adversely affect protein function. In summary, the available evidence is currently insufficient to determine the role of this variant in disease. Therefore, it has been classified as a Variant of Uncertain Significance.